The following is an entry in ClinVar:

NM_001042492.3(NF1):c.1139T>C (p.Leu380Pro)

Gene: NF1 (neurofibromin 1; plus strand). Cytogenetic location: 17q11.2.
Variant type: single nucleotide variant.
Coding change: c.1139T>C on transcript NM_001042492.3 (MANE Select); coding-DNA position 1139, T replaced by C.
Protein change: p.Leu380Pro; replaces leucine 380 with proline.
Molecular consequence: missense variant.
Genome position (GRCh38, 1-based): chr17:31,201,113, T>C. VCF-style: chr17-31201113-T-C. GRCh37 (hg19) VCF-style: chr17-29528131-T-C.
Other names: c.1139T>C, p.Leu380Pro (NM_000267.4, NM_001128147.3); short protein forms L380P.
Identifiers: ClinVar variation 457516 (VCV000457516.11), dbSNP rs1555611004, ClinGen allele CA398997077.

ClinVar aggregate classification (germline): Pathogenic/Likely pathogenic. Review status: criteria provided, multiple submitters, no conflicts (2 of 4 stars). 6 submissions from 6 submitters: Pathogenic (4); Likely pathogenic (2). Last evaluated 2026-01-18.
ClinVar aggregate classification (somatic clinical impact): Tier I - Strong (1 of 4 stars; one submission).

Conditions:
NF1-related disorder. Also called: NF1-related condition. Identifiers: MedGen CN379171.
Hereditary cancer-predisposing syndrome. Also called: Neoplastic Syndromes, Hereditary; Hereditary Cancer Syndrome; Hereditary neoplastic syndrome; Tumor predisposition. Identifiers: Orphanet 140162, MedGen C0027672, MeSH D009386, MONDO:0015356.
Cardiovascular phenotype. Identifiers: MedGen CN230736.
Neurofibromatosis, type 1 (NF1). Also called: VON RECKLINGHAUSEN DISEASE; Peripheral type neurofibromatosis; NEUROFIBROMATOSIS, TYPE I, SOMATIC; Neurofibromatosis, type I. Identifiers: Orphanet 636, MedGen C0027831, MONDO:0018975, OMIM 162200. Disease mechanism: loss of function.
Diffuse midline glioma, H3 K27M-mutant. Identifiers: MedGen C4289688, MONDO:0957196.

Submissions (7):

Labcorp Genetics (formerly Invitae), Labcorp
Classification: Pathogenic for Neurofibromatosis, type 1. Last evaluated: 2026-01-18. Review status: criteria provided, single submitter. Criteria: Invitae Variant Classification Sherloc (09022015). Collection method: clinical testing. Allele origin: germline.
Comment: This sequence change replaces leucine, which is neutral and non-polar, with proline, which is neutral and non-polar, at codon 380 of the NF1 protein (p.Leu380Pro). This variant is not present in population databases (gnomAD no frequency). This missense change has been observed in individual(s) with neurofibromatosis type 1 (PMID: 21520333, 27999334; internal data). In at least one individual the variant was observed to be de novo. It has also been observed to segregate with disease in related individuals. ClinVar contains an entry for this variant (Variation ID: 457516). Invitae Evidence Modeling of protein sequence and biophysical properties (such as structural, functional, and spatial information, amino acid conservation, physicochemical variation, residue mobility, and thermodynamic stability) indicates that this missense variant is expected to disrupt NF1 protein function with a positive predictive value of 95%. For these reasons, this variant has been classified as Pathogenic.

GeneDx
Classification: Likely pathogenic. Last evaluated: 2024-11-07. Review status: criteria provided, single submitter. Criteria: GeneDx Variant Classification Process June 2021. Collection method: clinical testing. Allele origin: germline. Affected: yes.
Comment: Not observed at significant frequency in large population cohorts (gnomAD); In silico analysis supports that this missense variant has a deleterious effect on protein structure/function; This variant is associated with the following publications: (PMID: 21520333, 23656349, 29068549, 30530636, 27999334)

Blueprint Genetics
Classification: Pathogenic for NF1-related disorders. Last evaluated: 2023-09-07. Review status: criteria provided, single submitter. Criteria: ACMG Guidelines, 2015. Collection method: clinical testing. Allele origin: germline. Affected: yes. Observed: 1 variant allele.

Institute of Medical Genetics and Applied Genomics, University Hospital Tübingen
Classification: Pathogenic for Neurofibromatosis, type 1. Last evaluated: 2023-04-11. Review status: criteria provided, single submitter. Criteria: ACMG Guidelines, 2015. Collection method: clinical testing. Allele origin: germline. Inheritance: Autosomal dominant inheritance. Affected: yes.

Institute for Genomic Medicine (IGM) Clinical Laboratory, Nationwide Children's Hospital
Classification: Tier I - Strong for Diffuse midline glioma, H3 K27M-mutant. Assertion type: diagnostic. Clinical significance: supports diagnosis. Last evaluated: 2023-02-16. Review status: criteria provided, single submitter. Criteria: AMP/ASCO/CAP Guidelines, 2017. Collection method: clinical testing. Allele origin: somatic. Affected: yes.
Comment: Variant has Tier I (strong) clinical significance as a diagnostic inclusion criterion in diffuse midline glioma, H3 K27M-mutant, based on the following evidence: 1) Documented in one or more cancer databases (e.g., St. Jude Pecan, COSMIC, CIViC, OncoKB). 2) Diagnostic for a specific tumor type/classification based on well-powered studies with expert-level consensus (Evidence Level B; PMIDs: 24705251, 28966033, 33433639, 34796414, 32862234, 34759345, 32582540, 35456430).

Ambry Genetics
Classification: Likely pathogenic for Cardiovascular phenotype; Hereditary cancer-predisposing syndrome. Last evaluated: 2022-02-23. Review status: criteria provided, single submitter. Criteria: Ambry Variant Classification Scheme 2023. Collection method: clinical testing. Allele origin: germline.
Comment: The p.L380P variant (also known as c.1139T>C), located in coding exon 10 of the NF1 gene, results from a T to C substitution at nucleotide position 1139. The leucine at codon 380 is replaced by proline, an amino acid with similar properties. This variant has been detected in multiple individuals who met diagnostic criteria for neurofibromatosis 1 (NF1), including three individuals from the same family (Cunha KS et al. Genes (Basel), 2016 Dec;7:) and one unrelated individual with early-onset breast cancer before the age of 50 (Frayling IM et al. J Med Genet, 2019 04;56:209-219). This variant is considered to be rare based on population cohorts in the Genome Aggregation Database (gnomAD). This amino acid position is well conserved in available vertebrate species. In addition, this alteration is predicted to be deleterious by in silico analysis. Based on the majority of available evidence to date, this variant is likely to be pathogenic.

Suma Genomics
Classification: Pathogenic for Neurofibromatosis, type 1. Review status: criteria provided, single submitter. Criteria: ACMG Guidelines, 2015. Collection method: clinical testing. Allele origin: germline. Inheritance: Autosomal dominant inheritance. Affected: yes. Observed: 1 heterozygote.

Literature cited by the submitters: PubMed 21520333 (cited by Labcorp Genetics (formerly Invitae), Labcorp); PubMed 27999334 (cited by Labcorp Genetics (formerly Invitae), Labcorp); PubMed 24705251 (cited by Institute for Genomic Medicine (IGM) Clinical Laboratory, Nationwide Children's Hospital); PubMed 28966033 (cited by Institute for Genomic Medicine (IGM) Clinical Laboratory, Nationwide Children's Hospital); PubMed 33433639 (cited by Institute for Genomic Medicine (IGM) Clinical Laboratory, Nationwide Children's Hospital); PubMed 34796414 (cited by Institute for Genomic Medicine (IGM) Clinical Laboratory, Nationwide Children's Hospital); PubMed 32862234 (cited by Institute for Genomic Medicine (IGM) Clinical Laboratory, Nationwide Children's Hospital); PubMed 34759345 (cited by Institute for Genomic Medicine (IGM) Clinical Laboratory, Nationwide Children's Hospital); PubMed 32582540 (cited by Institute for Genomic Medicine (IGM) Clinical Laboratory, Nationwide Children's Hospital); PubMed 35456430 (cited by Institute for Genomic Medicine (IGM) Clinical Laboratory, Nationwide Children's Hospital); PubMed 29068549 (cited by Suma Genomics).